The following is an entry in ClinVar:

ClinVar aggregate classification (germline): Benign/Likely benign. Review status: criteria provided, multiple submitters, no conflicts (2 of 4 stars). 7 submissions from 7 submitters: Benign (5); Likely benign (1). 1 of the submissions does not count toward it. Last evaluated 2026-02-04.

Conditions:
SAMD9L-related disorder. Also called: SAMD9L-related condition; SAMD9L-related disorders.

Allele frequency attached by ClinVar (database versions not stated): gnomAD exomes 0.15671 and 0.22497; ExAC 0.22242; ESP Exome Variant Server 0.26718; gnomAD 0.28073 and 0.28453; TOPMed 0.31341; 1000 Genomes Project 0.38179; 1000 Genomes Project 30x 0.38492.
gnomAD v4.1: 272,862 of 1,613,698 alleles (17%); highest among the groups gnomAD compares: African/African-American, 57%; 36,117 homozygotes.

Submissions (7):

Labcorp Genetics (formerly Invitae), Labcorp
Classification: Benign. Last evaluated: 2026-02-04. Review status: criteria provided, single submitter. Criteria: Invitae Variant Classification Sherloc (09022015). Collection method: clinical testing. Allele origin: germline.

ARUP Laboratories, Molecular Genetics and Genomics, ARUP Laboratories
Classification: Benign. Last evaluated: 2025-07-28. Review status: criteria provided, single submitter. Criteria: ARUP Molecular Germline Variant Investigation Process 2024. Collection method: clinical testing. Allele origin: germline.

Blueprint Genetics
Classification: Likely benign. Last evaluated: 2024-11-27. Review status: criteria provided, single submitter. Criteria: ACMG Guidelines, 2015. Collection method: clinical testing. Allele origin: germline.

Mayo Clinic Laboratories, Mayo Clinic
Classification: Benign. Last evaluated: 2022-09-06. Review status: criteria provided, single submitter. Criteria: ACMG Guidelines, 2015. Collection method: clinical testing. Allele origin: germline. Observed: 308 variant alleles.

GeneDx
Classification: Benign. Last evaluated: 2019-06-14. Review status: criteria provided, single submitter. Criteria: GeneDx Variant Classification Process June 2021. Collection method: clinical testing. Allele origin: germline. Affected: yes.

Breakthrough Genomics
Classification: Benign. Review status: criteria provided, single submitter. Criteria: ACMG Guidelines, 2015. Collection method: not provided. Allele origin: germline. Inheritance: Autosomal dominant inheritance. Affected: yes.

PreventionGenetics, part of Exact Sciences
Classification: Benign for SAMD9L-related condition. Last evaluated: 2023-02-09. Review status: no assertion criteria provided. Collection method: clinical testing. Allele origin: germline. Not counted in ClinVar's aggregate classification.
Comment: This variant is classified as benign based on ACMG/AMP sequence variant interpretation guidelines (Richards et al. 2015 PMID: 25741868, with internal and published modifications).

NM_152703.5(SAMD9L):c.303G>A (p.Gln101=)

Gene: SAMD9L (sterile alpha motif domain containing 9 like; minus strand). Cytogenetic location: 7q21.2.
Variant type: single nucleotide variant.
Coding change: c.303G>A on transcript NM_152703.5 (MANE Select); coding-DNA position 303, G replaced by A.
Protein change: p.Gln101=; no amino-acid change (glutamine 101 retained).
Molecular consequence: synonymous variant.
Genome position (GRCh38, 1-based): chr7:93,135,669, C>T on the plus strand (G>A on the coding strand, the complement: SAMD9L is on the minus strand). VCF-style: chr7-93135669-C-T. GRCh37 (hg19) VCF-style: chr7-92764982-C-T.
Other names: p.Gln101=; c.303G>A, p.Gln101= (NM_001303496.3, NM_001303497.3, NM_001303498.3 and 5 more transcripts).
Identifiers: ClinVar variation 1170232 (VCV001170232.26), dbSNP rs1133906, ClinGen allele CA4343893.
Genomic context (GRCh38, chr7:93,135,669, plus strand): 5'-ATAATCAATATTAGATGACATTGAATTTTCTTCTTCCTTTTTGGTGTGTTTTGGATTTTT[C>T]TGGTGTTCTGTTTTGGACGGTTTTGAATTATCTAATTGTCCCGGATCATGATTGTCACTT-3'
Protein context (NP_689916.2, residues 91-111): DNSKPSKTEH[Gln101=]KNPKHTKKEE